The following is an entry in ClinVar:

NM_020376.4(PNPLA2):c.1232C>T (p.Ser411Phe)

Gene: PNPLA2 (patatin like domain 2, triacylglycerol lipase; plus strand). Cytogenetic location: 11p15.5.
Variant type: single nucleotide variant.
Coding change: c.1232C>T on transcript NM_020376.4 (MANE Select); coding-DNA position 1232, C replaced by T.
Protein change: p.Ser411Phe; replaces serine 411 with phenylalanine.
Molecular consequence: missense variant.
Genome position (GRCh38, 1-based): chr11:824,579, C>T. VCF-style: chr11-824579-C-T. GRCh37 (hg19) VCF-style: chr11-824579-C-T.
Other names: short protein forms S411F.
Identifiers: ClinVar variation 1921106 (VCV001921106.2), dbSNP rs1465947507, ClinGen allele CA378984487.

ClinVar aggregate classification (germline): Uncertain significance (1 of 4 stars; one submission).

Conditions:
Neutral lipid storage myopathy (NLSDM). Also called: NEUTRAL LIPID STORAGE DISEASE WITHOUT ICHTHYOSIS. Identifiers: Orphanet 98908, MedGen C1853136, MONDO:0012545, OMIM 610717.

Allele frequency attached by ClinVar (database versions not stated): gnomAD exomes below 0.00001; TOPMed below 0.00001; gnomAD 0.00001.
gnomAD v4.1: 3 of 1,579,146 alleles (0.00019%); highest among the groups gnomAD compares: Admixed American, 0.0036%; no homozygotes.

Submission:

Labcorp Genetics (formerly Invitae), Labcorp
Classification: Uncertain significance for Neutral lipid storage myopathy. Last evaluated: 2022-06-09. Review status: criteria provided, single submitter. Criteria: Invitae Variant Classification Sherloc (09022015). Collection method: clinical testing. Allele origin: germline.
Comment: This sequence change replaces serine, which is neutral and polar, with phenylalanine, which is neutral and non-polar, at codon 411 of the PNPLA2 protein (p.Ser411Phe). The frequency data for this variant in the population databases is considered unreliable, as metrics indicate poor data quality at this position in the gnomAD database. This variant has not been reported in the literature in individuals affected with PNPLA2-related conditions. Algorithms developed to predict the effect of missense changes on protein structure and function are either unavailable or do not agree on the potential impact of this missense change (SIFT: "Deleterious"; PolyPhen-2: "Benign"; Align-GVGD: "Class C0"). In summary, the available evidence is currently insufficient to determine the role of this variant in disease. Therefore, it has been classified as a Variant of Uncertain Significance.